The following is an entry in ClinVar:

ClinVar aggregate classification (germline): Uncertain significance (1 of 4 stars; one submission).

Conditions:
Lissencephaly due to LIS1 mutation (LIS1). Also called: PAFAH1B1-Related Lissencephaly/Subcortical Band Heterotopia; PAFAH1B1-Associated Lissencephaly/Subcortical Band Heterotopia; Isolated Lissencephaly Sequence. Identifiers: Orphanet 95232, MedGen C4749301, MONDO:0011830, OMIM 607432.

Submission:

Institute of Human Genetics, University of Goettingen
Classification: Uncertain significance for Lissencephaly due to LIS1 mutation. Last evaluated: 2024-09-11. Review status: criteria provided, single submitter. Criteria: ACMG Guidelines, 2015. Collection method: clinical testing. Allele origin: unknown. Inheritance: Autosomal dominant inheritance. Observed: 1 heterozygote.
Comment: The variant c.205G>C (p.(Glu69Gln)) in exon 5 of the PAFAH1B1-gene is not found in the gnomAD database, it affects a highly conserved nucleotide, and a highly conserved amino acid and there is a small physicochemical difference between Glu and Gln. This variant has a pathogenic computational verdict based on in silico prediction algorithms. The variation generates a 'Missense' as coding effect. ACMG criteria used for classification: PM2_sup, PP2, PP3.

NM_000430.4(PAFAH1B1):c.205G>C (p.Glu69Gln)

Gene: PAFAH1B1 (platelet activating factor acetylhydrolase 1b regulatory subunit 1; plus strand). Cytogenetic location: 17p13.3.
Variant type: single nucleotide variant.
Coding change: c.205G>C on transcript NM_000430.4 (MANE Select); coding-DNA position 205, G replaced by C.
Protein change: p.Glu69Gln; replaces glutamic acid 69 with glutamine.
Molecular consequence: missense variant.
Genome position (GRCh38, 1-based): chr17:2,667,004, G>C. VCF-style: chr17-2667004-G-C. GRCh37 (hg19) VCF-style: chr17-2570298-G-C.
Other names: short protein forms E69Q.
Identifiers: ClinVar variation 3340121 (VCV003340121.2).